The following is an entry in ClinVar:

ClinVar aggregate classification (germline): Uncertain significance. Review status: criteria provided, multiple submitters, no conflicts (2 of 4 stars). 7 submissions from 5 submitters: Uncertain significance (7). Last evaluated 2025-03-24.

Conditions:
Usher syndrome type 1 (USH1). Also called: RETINITIS PIGMENTOSA AND CONGENITAL DEAFNESS. Identifiers: Orphanet 231169, Orphanet 886, MedGen C1568247, MONDO:0010168, OMIM 276900.
Autosomal dominant nonsyndromic hearing loss 11. Identifiers: Orphanet 90635, MedGen C1832475, MONDO:0011032, OMIM 601317.
Autosomal recessive nonsyndromic hearing loss 2. Also called: NEUROSENSORY NONSYNDROMIC RECESSIVE DEAFNESS 2; DEAFNESS, AUTOSOMAL RECESSIVE 2. Identifiers: Orphanet 90636, MedGen C1838701, MONDO:0010807, OMIM 600060.
Inborn genetic diseases. Identifiers: MedGen C0950123, MeSH D030342.

Allele frequency attached by ClinVar (database versions not stated): gnomAD 0.00001 and 0.00002; TOPMed 0.00002; ExAC 0.00003; gnomAD exomes 0.00003; ESP Exome Variant Server 0.00016.

Submissions (7):

Ambry Genetics
Classification: Uncertain significance for Inborn genetic diseases. Last evaluated: 2025-03-24. Review status: criteria provided, single submitter. Criteria: Ambry Variant Classification Scheme 2023. Collection method: clinical testing. Allele origin: germline.

Fulgent Genetics
Classification: Uncertain significance for Usher syndrome type 1; Autosomal recessive nonsyndromic hearing loss 2; Autosomal dominant nonsyndromic hearing loss 11. Last evaluated: 2023-12-26. Review status: criteria provided, single submitter. Criteria: ACMG Guidelines, 2015. Collection method: clinical testing. Allele origin: germline.

Blueprint Genetics
Classification: Uncertain significance. Last evaluated: 2022-08-15. Review status: criteria provided, single submitter. Criteria: ACMG Guidelines, 2015. Collection method: clinical testing. Allele origin: germline.

Labcorp Genetics (formerly Invitae), Labcorp
Classification: Uncertain significance. Last evaluated: 2022-07-19. Review status: criteria provided, single submitter. Criteria: Invitae Variant Classification Sherloc (09022015). Collection method: clinical testing. Allele origin: germline.
Comment: This sequence change replaces glycine, which is neutral and non-polar, with aspartic acid, which is acidic and polar, at codon 80 of the MYO7A protein (p.Gly80Asp). The frequency data for this variant in the population databases is considered unreliable, as metrics indicate poor data quality at this position in the gnomAD database. This variant has not been reported in the literature in individuals affected with MYO7A-related conditions. ClinVar contains an entry for this variant (Variation ID: 306157). Advanced modeling of protein sequence and biophysical properties (such as structural, functional, and spatial information, amino acid conservation, physicochemical variation, residue mobility, and thermodynamic stability) performed at Invitae indicates that this missense variant is expected to disrupt MYO7A protein function. In summary, the available evidence is currently insufficient to determine the role of this variant in disease. Therefore, it has been classified as a Variant of Uncertain Significance.

Illumina Laboratory Services, Illumina
Classification: Uncertain significance for Autosomal dominant nonsyndromic hearing loss 11. Last evaluated: 2018-01-12. Review status: criteria provided, single submitter. Criteria: ICSL Variant Classification Criteria 13 December 2019. Collection method: clinical testing. Allele origin: germline.

Illumina Laboratory Services, Illumina
Classification: Uncertain significance for Autosomal recessive nonsyndromic hearing loss 2. Last evaluated: 2018-01-12. Review status: criteria provided, single submitter. Criteria: ICSL Variant Classification Criteria 13 December 2019. Collection method: clinical testing. Allele origin: germline.

Illumina Laboratory Services, Illumina
Classification: Uncertain significance for Usher syndrome type 1. Last evaluated: 2018-01-12. Review status: criteria provided, single submitter. Criteria: ICSL Variant Classification Criteria 13 December 2019. Collection method: clinical testing. Allele origin: germline.

NM_000260.4(MYO7A):c.239G>A (p.Gly80Asp)

Gene: MYO7A (myosin VIIA; plus strand). Cytogenetic location: 11q13.5.
Variant type: single nucleotide variant.
Coding change: c.239G>A on transcript NM_000260.4 (MANE Select); coding-DNA position 239, G replaced by A.
Protein change: p.Gly80Asp; replaces glycine 80 with aspartic acid.
Molecular consequence: missense variant.
Genome position (GRCh38, 1-based): chr11:77,147,904, G>A. VCF-style: chr11-77147904-G-A. GRCh37 (hg19) VCF-style: chr11-76858950-G-A.
Other names: c.239G>A, p.Gly80Asp (NM_001127180.2); c.206G>A, p.Gly69Asp (NM_001369365.1); short protein forms G80D, G69D.
Identifiers: ClinVar variation 306157 (VCV000306157.10), dbSNP rs376796087, ClinGen allele CA6197076.
Genomic context (GRCh38, chr11:77,147,904, plus strand): 5'-ACCCCACGTCGGTCCACGGCGTGGAGGACATGATCCGCCTGGGGGACCTCAACGAGGCGG[G>A]CATCTTGCGCAACCTGCTTATCCGCTACCGGGACCACCTCATCTACGTGAGTGCCGCCCC-3'
Protein context (NP_000251.3, residues 70-90): MIRLGDLNEA[Gly80Asp]ILRNLLIRYR